The following is an entry in ClinVar:

ClinVar aggregate classification (germline): Likely pathogenic. Review status: criteria provided, multiple submitters, no conflicts (2 of 4 stars). 2 submissions from 2 submitters: Likely pathogenic (2). Last evaluated 2026-04-16.

Conditions:
Inborn genetic diseases. Identifiers: MedGen C0950123, MeSH D030342.
Idiopathic generalized epilepsy. Also called: Generalised epilepsy; EIG. Identifiers: MedGen C0270850, MONDO:0005579, OMIM 600669.

Allele frequency attached by ClinVar (database versions not stated): gnomAD exomes below 0.00001.
gnomAD v4.1: 2 of 1,563,788 alleles (0.00013%); highest among the groups gnomAD compares: Non-Finnish European, 0.00017%; no homozygotes.

Submissions (2):

Ambry Genetics
Classification: Likely pathogenic for Inborn genetic diseases. Last evaluated: 2026-04-16. Review status: criteria provided, single submitter. Criteria: Ambry Variant Classification Scheme 2023. Collection method: clinical testing. Allele origin: germline.
Comment: The c.770C>T (p.P257L) alteration is located in exon 7 (coding exon 7) of the GABRD gene. This alteration results from a C to T substitution at nucleotide position 770, causing the proline (P) at amino acid position 257 to be replaced by a leucine (L). This variant was not reported in population-based cohorts in the Genome Aggregation Database (gnomAD). This variant was reported in individual(s) with features consistent with GABRD-related neurodevelopmental disorder; in at least one individual, it was determined to be de novo (Ahring, 2022; Bayat, 2022). This amino acid position is highly conserved in available vertebrate species. This missense variant is located in a region that has a low rate of benign missense variation (Lek, 2016; Firth, 2009). In electrophysiological experiments using Xenopus laevis oocytes to assess GABRD function, this variant showed a functionally abnormal result compared to a wild type control (Ahring, 2022). This alteration is predicted to be deleterious by in silico analysis. Based on the available evidence, this alteration is classified as likely pathogenic.

Labcorp Genetics (formerly Invitae), Labcorp
Classification: Likely pathogenic for Idiopathic generalized epilepsy. Last evaluated: 2025-06-22. Review status: criteria provided, single submitter. Criteria: Invitae Variant Classification Sherloc (09022015). Collection method: clinical testing. Allele origin: germline.
Comment: This sequence change replaces proline, which is neutral and non-polar, with leucine, which is neutral and non-polar, at codon 257 of the GABRD protein (p.Pro257Leu). This variant is not present in population databases (gnomAD no frequency). This missense change has been observed in individual(s) with GABRD-related conditions (PMID: 34633442). In at least one individual the variant was observed to be de novo. ClinVar contains an entry for this variant (Variation ID: 2076434). An algorithm developed to predict the effect of missense changes on protein structure and function (PolyPhen-2) suggests that this variant is likely to be disruptive. Experimental studies have shown that this missense change affects GABRD function (PMID: 34633442). In summary, the currently available evidence indicates that the variant is pathogenic, but additional data are needed to prove that conclusively. Therefore, this variant has been classified as Likely Pathogenic.

Literature cited by the submitters: PubMed 34633442 (cited by Ambry Genetics and Labcorp Genetics (formerly Invitae), Labcorp); PubMed 35723786 (cited by Ambry Genetics).

NM_000815.5(GABRD):c.770C>T (p.Pro257Leu)

Gene: GABRD (gamma-aminobutyric acid type A receptor subunit delta; plus strand). Cytogenetic location: 1p36.33.
Variant type: single nucleotide variant.
Coding change: c.770C>T on transcript NM_000815.5 (MANE Select); coding-DNA position 770, C replaced by T.
Protein change: p.Pro257Leu; replaces proline 257 with leucine.
Molecular consequence: missense variant.
Genome position (GRCh38, 1-based): chr1:2,029,189, C>T. VCF-style: chr1-2029189-C-T. GRCh37 (hg19) VCF-style: chr1-1960628-C-T.
Other names: c.770C>T (NM_000815.4); short protein forms P257L.
Identifiers: ClinVar variation 2076434 (VCV002076434.5), dbSNP rs2525644185, ClinGen allele CA337959183.